The following is an entry in ClinVar:

NM_001377.3(DYNC2H1):c.2785C>G (p.Leu929Val)

Gene: DYNC2H1 (dynein cytoplasmic 2 heavy chain 1; plus strand). Cytogenetic location: 11q22.3.
Variant type: single nucleotide variant.
Coding change: c.2785C>G on transcript NM_001377.3 (MANE Select); coding-DNA position 2785, C replaced by G.
Protein change: p.Leu929Val; replaces leucine 929 with valine.
Molecular consequence: missense variant.
Genome position (GRCh38, 1-based): chr11:103,147,854, C>G. VCF-style: chr11-103147854-C-G. GRCh37 (hg19) VCF-style: chr11-103018583-C-G.
Other names: c.2785C>G, p.Leu929Val (NM_001080463.2); short protein forms L929V.
Identifiers: ClinVar variation 3625666 (VCV003625666.2).
Genomic context (GRCh38, chr11:103,147,854, plus strand): 5'-AATATTAATTGCAACCCTGTGAAGACTGTGATTGATGATCTCATCCAGAAGTTATTTGAT[C>G]TGCTTGTTCTTTCTTTGAAGAAGTCCATACAGGGTAAATACACATTTTAATTTTTATTTT-3'
Protein context (NP_001368.2, residues 919-939): IDDLIQKLFD[Leu929Val]LVLSLKKSIQ

ClinVar aggregate classification (germline): Uncertain significance (1 of 4 stars; one submission).

Conditions:
Jeune thoracic dystrophy. Also called: Jeune syndrome; Infantile thoracic dystrophy; Thoracic pelvic phalangeal dystrophy; Jeune's syndrome; Chondroectodermal dysplasia-like syndrome; Short-rib thoracic dysplasia. Identifiers: Orphanet 474, MedGen C0265275, MONDO:0018770.

gnomAD v4.1: 4 of 1,611,074 alleles (0.00025%); highest among the groups gnomAD compares: Middle Eastern, 0.05%; no homozygotes.

Submission:

Labcorp Genetics (formerly Invitae), Labcorp
Classification: Uncertain significance for Jeune thoracic dystrophy. Last evaluated: 2024-04-29. Review status: criteria provided, single submitter. Criteria: Invitae Variant Classification Sherloc (09022015). Collection method: clinical testing. Allele origin: germline.
Comment: This sequence change replaces leucine, which is neutral and non-polar, with valine, which is neutral and non-polar, at codon 929 of the DYNC2H1 protein (p.Leu929Val). This variant is present in population databases (rs576945759, gnomAD no frequency). This variant has not been reported in the literature in individuals affected with DYNC2H1-related conditions. Advanced modeling of protein sequence and biophysical properties (such as structural, functional, and spatial information, amino acid conservation, physicochemical variation, residue mobility, and thermodynamic stability) performed at Invitae indicates that this missense variant is not expected to disrupt DYNC2H1 protein function with a negative predictive value of 95%. In summary, the available evidence is currently insufficient to determine the role of this variant in disease. Therefore, it has been classified as a Variant of Uncertain Significance.